The following is an entry in ClinVar:

ClinVar aggregate classification (germline): Likely benign. Review status: criteria provided, multiple submitters, no conflicts (2 of 4 stars). 5 submissions from 5 submitters: Likely benign (5). Last evaluated 2026-04-14.

Conditions:
RNF216-related disorder. Also called: RNF216-related condition.

Allele frequency attached by ClinVar (database versions not stated): 1000 Genomes Project 30x 0.00016; 1000 Genomes Project 0.00020; ExAC 0.00030; gnomAD exomes 0.00032 and 0.00060; TOPMed 0.00051; gnomAD 0.00059 and 0.00061; ESP Exome Variant Server 0.00062.
gnomAD v4.1: 941 of 1,602,110 alleles (0.059%); highest among the groups gnomAD compares: Admixed American, 0.095%; no homozygotes.

Submissions (5):

PreventionGenetics, part of Exact Sciences
Classification: Likely benign for RNF216-related condition. Last evaluated: 2026-04-14. Review status: criteria provided, single submitter. Criteria: ACMG Guidelines, 2015. Collection method: clinical testing. Allele origin: germline.
Comment: This variant is classified as likely benign based on ACMG/AMP sequence variant interpretation guidelines (Richards et al. 2015 PMID: 25741868, with internal and published modifications).

Labcorp Genetics (formerly Invitae), Labcorp
Classification: Likely benign. Last evaluated: 2025-09-21. Review status: criteria provided, single submitter. Criteria: Invitae Variant Classification Sherloc (09022015). Collection method: clinical testing. Allele origin: germline.

Blueprint Genetics
Classification: Likely benign. Last evaluated: 2024-10-18. Review status: criteria provided, single submitter. Criteria: ACMG Guidelines, 2015. Collection method: clinical testing. Allele origin: germline.

CeGaT Center for Human Genetics Tuebingen
Classification: Likely benign. Last evaluated: 2022-12-01. Review status: criteria provided, single submitter. Criteria: CeGaT Center For Human Genetics Tuebingen Variant Classification Criteria Version 2. Collection method: clinical testing. Allele origin: germline. Affected: yes. Observed: 1 variant allele.
Comment: RNF216: BP4, BP7

Breakthrough Genomics
Classification: Likely benign. Review status: criteria provided, single submitter. Criteria: ACMG Guidelines, 2015. Collection method: not provided. Allele origin: germline. Inheritance: Autosomal recessive inheritance. Affected: yes.

NM_207111.4(RNF216):c.2757G>A (p.Pro919=)

Gene: RNF216 (ring finger protein 216; minus strand). Cytogenetic location: 7p22.1.
Variant type: single nucleotide variant.
Coding change: c.2757G>A on transcript NM_207111.4 (MANE Select); coding-DNA position 2757, G replaced by A.
Protein change: p.Pro919=; no amino-acid change (proline 919 retained).
Molecular consequence: synonymous variant.
Genome position (GRCh38, 1-based): chr7:5,622,875, C>T on the plus strand (G>A on the coding strand, the complement: RNF216 is on the minus strand). VCF-style: chr7-5622875-C-T. GRCh37 (hg19) VCF-style: chr7-5662506-C-T.
Other names: c.2586G>A, p.Pro862= (NM_207116.3).
Identifiers: ClinVar variation 740477 (VCV000740477.36), dbSNP rs146694552, ClinGen allele CA4147697.